The following is an entry in ClinVar:

ClinVar aggregate classification (germline): Conflicting classifications of pathogenicity. Review status: criteria provided, conflicting classifications (1 of 4 stars). 4 submissions from 4 submitters: Uncertain significance (3); Likely benign (1). Last evaluated 2025-03-31.

Conditions:
Hereditary cancer-predisposing syndrome. Also called: Hereditary neoplastic syndrome; Tumor predisposition; Neoplastic Syndromes, Hereditary; Hereditary Cancer Syndrome. Identifiers: Orphanet 140162, MedGen C0027672, MeSH D009386, MONDO:0015356.
Hereditary breast ovarian cancer syndrome. Also called: Hereditary breast and ovarian cancer; Hereditary breast and/or ovarian cancer syndrome; Breast and ovarian cancer; BRCA1- and BRCA2-Associated Hereditary Breast and Ovarian Cancer; Hereditary breast and ovarian cancer syndrome; Hereditary breast and ovarian cancer syndrome (HBOC). Identifiers: Orphanet 145, MedGen C0677776, MeSH D061325, MONDO:0003582. Disease mechanism: loss of function.

Allele frequency attached by ClinVar (database versions not stated): gnomAD exomes below 0.00001.
gnomAD v4.1: 1 of 1,614,214 alleles (0.000062%); highest among the groups gnomAD compares: South Asian, 0.0011%; no homozygotes.

Submissions (4):

Ambry Genetics
Classification: Uncertain significance for Hereditary cancer-predisposing syndrome. Last evaluated: 2025-03-31. Review status: criteria provided, single submitter. Criteria: Ambry Variant Classification Scheme 2023. Collection method: clinical testing. Allele origin: germline.
Comment: The p.Q310P variant (also known as c.929A>C), located in coding exon 9 of the BRCA1 gene, results from an A to C substitution at nucleotide position 929. The glutamine at codon 310 is replaced by proline, an amino acid with similar properties. This amino acid position is well conserved in available vertebrate species. In addition, this alteration is predicted to be deleterious by in silico analysis. Since supporting evidence is limited at this time, the clinical significance of this alteration remains unclear.

Color Diagnostics, LLC DBA Color Health
Classification: Uncertain significance for Hereditary cancer-predisposing syndrome. Last evaluated: 2023-12-04. Review status: criteria provided, single submitter. Criteria: ACMG Guidelines, 2015. Collection method: clinical testing. Allele origin: germline.
Comment: This missense variant replaces glutamine with proline at codon 310 of the BRCA1 protein. Computational prediction is inconclusive regarding the impact of this variant on protein structure and function (internally defined REVEL score threshold 0.5 < inconclusive < 0.7, PMID: 27666373). To our knowledge, functional studies have not been reported for this variant. This variant has not been reported in individuals affected with BRCA1-related disorders in the literature. This variant has not been identified in the general population by the Genome Aggregation Database (gnomAD). The available evidence is insufficient to determine the role of this variant in disease conclusively. Therefore, this variant is classified as a Variant of Uncertain Significance.

University of Washington Department of Laboratory Medicine, University of Washington
Classification: Likely benign for Hereditary cancer-predisposing syndrome. Last evaluated: 2023-03-23. Review status: criteria provided, single submitter. Criteria: Dines et al. (Genet Med. 2020). Collection method: curation. Allele origin: germline.
Comment: Missense variant in a coldspot region where missense variants are very unlikely to be pathogenic (PMID:31911673).

BRCA1 coldspot (exon 11 using historical exon numbering). Reclassification based on statistical prior probability

Labcorp Genetics (formerly Invitae), Labcorp
Classification: Uncertain significance for Hereditary breast ovarian cancer syndrome. Last evaluated: 2022-07-12. Review status: criteria provided, single submitter. Criteria: Invitae Variant Classification Sherloc (09022015). Collection method: clinical testing. Allele origin: germline.
Comment: This sequence change replaces glutamine, which is neutral and polar, with proline, which is neutral and non-polar, at codon 310 of the BRCA1 protein (p.Gln310Pro). In summary, the available evidence is currently insufficient to determine the role of this variant in disease. Therefore, it has been classified as a Variant of Uncertain Significance. Advanced modeling of protein sequence and biophysical properties (such as structural, functional, and spatial information, amino acid conservation, physicochemical variation, residue mobility, and thermodynamic stability) performed at Invitae indicates that this missense variant is not expected to disrupt BRCA1 protein function. ClinVar contains an entry for this variant (Variation ID: 655576). This variant has not been reported in the literature in individuals affected with BRCA1-related conditions. This variant is not present in population databases (gnomAD no frequency).

NM_007294.4(BRCA1):c.929A>C (p.Gln310Pro)

Gene: BRCA1 (BRCA1 DNA repair associated; minus strand). Cytogenetic location: 17q21.31.
Variant type: single nucleotide variant.
Coding change: c.929A>C on transcript NM_007294.4 (MANE Select); coding-DNA position 929, A replaced by C.
Protein change: p.Gln310Pro; replaces glutamine 310 with proline.
Molecular consequence: missense variant. On other transcripts: intron variant (137).
Genome position (GRCh38, 1-based): chr17:43,094,602, T>G on the plus strand (A>C on the coding strand, the complement: BRCA1 is on the minus strand). VCF-style: chr17-43094602-T-G. GRCh37 (hg19) VCF-style: chr17-41246619-T-G.
Other names: c.716A>C, p.Gln239Pro (NM_001407571.1, NM_001407896.1, NM_001407897.1 and 9 more transcripts); c.929A>C, p.Gln310Pro (NM_001407581.1, NM_001407582.1, NM_001407583.1 and 30 more transcripts); c.926A>C, p.Gln309Pro (NM_001407587.1, NM_001407590.1, NM_001407591.1 and 22 more transcripts); c.920A>C, p.Gln307Pro (NM_001407646.1, NM_001407647.1); c.806A>C, p.Gln269Pro (NM_001407648.1, NM_001407666.1, NM_001407667.1 and 19 more transcripts); c.803A>C, p.Gln268Pro (NM_001407649.1, NM_001407670.1, NM_001407671.1 and 11 more transcripts); c.851A>C, p.Gln284Pro (NM_001407653.1, NM_001407654.1, NM_001407655.1 and 4 more transcripts); c.788A>C, p.Gln263Pro (NM_001407692.1, NM_001407694.1, NM_001407730.1 and 29 more transcripts); and 40 more; short protein forms Q263P, Q310P, Q183P, Q284P, Q182P, Q199P, Q221P, Q222P.
Identifiers: ClinVar variation 655576 (VCV000655576.20), dbSNP rs1597879098, ClinGen allele CA10600211.
Genomic context (GRCh38, chr17:43,094,602, plus strand): 5'-TCATTACATGTTTCCTTACTTCCAGCCCATCTGTTATGTTGGCTCCTTGCTAAGCCAGGC[T>G]GTTTGCTTTTATTACAGAATTCAGCCTTTTCTACATTCATTCTGTCTTTAGTGAGTAATA-3'
Protein context (NP_009225.1, residues 300-320): EKAEFCNKSK[Gln310Pro]PGLARSQHNR